The following is an entry in ClinVar:

ClinVar aggregate classification (germline): Likely benign. Review status: criteria provided, multiple submitters, no conflicts (2 of 4 stars). 2 submissions from 2 submitters: Likely benign (2). Last evaluated 2026-01-06.

Allele frequency attached by ClinVar (database versions not stated): gnomAD 0.00013; ExAC 0.00017; ESP Exome Variant Server 0.00023; TOPMed 0.00028.
gnomAD v4.1: 308 of 1,614,202 alleles (0.019%); highest among the groups gnomAD compares: Middle Eastern, 0.033%; no homozygotes.

Submissions (2):

Labcorp Genetics (formerly Invitae), Labcorp
Classification: Likely benign. Last evaluated: 2026-01-06. Review status: criteria provided, single submitter. Criteria: Invitae Variant Classification Sherloc (09022015). Collection method: clinical testing. Allele origin: germline.

CeGaT Center for Human Genetics Tuebingen
Classification: Likely benign. Last evaluated: 2022-07-01. Review status: criteria provided, single submitter. Criteria: CeGaT Center For Human Genetics Tuebingen Variant Classification Criteria Version 2. Collection method: clinical testing. Allele origin: germline. Affected: yes. Observed: 1 variant allele.
Comment: PIKFYVE: BP4, BS2

NM_015040.4(PIKFYVE):c.178G>A (p.Ala60Thr)

Gene: PIKFYVE (phosphoinositide kinase, FYVE-type zinc finger containing; plus strand). Cytogenetic location: 2q34.
Variant type: single nucleotide variant.
Coding change: c.178G>A on transcript NM_015040.4 (MANE Select); coding-DNA position 178, G replaced by A.
Protein change: p.Ala60Thr; replaces alanine 60 with threonine.
Molecular consequence: missense variant.
Genome position (GRCh38, 1-based): chr2:208,273,589, G>A. VCF-style: chr2-208273589-G-A. GRCh37 (hg19) VCF-style: chr2-209138313-G-A.
Other names: c.178G>A, p.Ala60Thr (NM_001178000.2, NM_152671.4); short protein forms A60T.
Identifiers: ClinVar variation 2651850 (VCV002651850.26), dbSNP rs199642033, ClinGen allele CA2079193.
Genomic context (GRCh38, chr2:208,273,589, plus strand): 5'-TTCTCATTGCTGAACTCTCAGTCTTTAAATAATGCCAAGCGTTCCCTTGCTACAGAGAGA[G>A]CAGAAGGAGGCCAGGGAGAACAGCAGCCTTTGAGTGGAAGTTGGACCAGCCCTCAGCTCC-3'
Protein context (NP_055855.2, residues 50-70): VNLFRFNKER[Ala60Thr]EGGQGEQQPL